The following is an entry in ClinVar:

ClinVar aggregate classification (germline): Uncertain significance. Review status: criteria provided, single submitter (1 of 4 stars). 2 submissions from 2 submitters: Uncertain significance (1). 1 of the submissions does not count toward it. Last evaluated 2025-08-21.

Conditions:
NTRK2-related disorder. Also called: NTRK2-related condition.

Allele frequency attached by ClinVar (database versions not stated): ExAC 0.00001; gnomAD 0.00002; ESP Exome Variant Server 0.00008.
gnomAD v4.1: 8 of 1,613,954 alleles (0.0005%); highest among the groups gnomAD compares: African/African-American, 0.008%; no homozygotes.

Submissions (2):

Labcorp Genetics (formerly Invitae), Labcorp
Classification: Uncertain significance. Last evaluated: 2025-08-21. Review status: criteria provided, single submitter. Criteria: Invitae Variant Classification Sherloc (09022015). Collection method: clinical testing. Allele origin: germline.
Comment: This sequence change replaces asparagine, which is neutral and polar, with threonine, which is neutral and polar, at codon 776 of the NTRK2 protein (p.Asn776Thr). This variant is present in population databases (rs148990783, gnomAD no frequency). This variant has not been reported in the literature in individuals affected with NTRK2-related conditions. ClinVar contains an entry for this variant (Variation ID: 1903552). An algorithm developed to predict the effect of missense changes on protein structure and function (PolyPhen-2) suggests that this variant is likely to be disruptive. In summary, the available evidence is currently insufficient to determine the role of this variant in disease. Therefore, it has been classified as a Variant of Uncertain Significance.

PreventionGenetics, part of Exact Sciences
Classification: Uncertain significance for NTRK2-related condition. Last evaluated: 2023-12-13. Review status: no assertion criteria provided. Collection method: clinical testing. Allele origin: germline. Not counted in ClinVar's aggregate classification.
Comment: The NTRK2 c.2327A>C variant is predicted to result in the amino acid substitution p.Asn776Thr. To our knowledge, this variant has not been reported in the literature. This variant is reported in one out of ~251,000 of alleles in gnomAD. At this time, the clinical significance of this variant is uncertain due to the absence of conclusive functional and genetic evidence.

NM_006180.6(NTRK2):c.2327A>C (p.Asn776Thr)

Gene: NTRK2 (neurotrophic receptor tyrosine kinase 2; plus strand). Cytogenetic location: 9q21.33.
Variant type: single nucleotide variant.
Coding change: c.2327A>C on transcript NM_006180.6 (MANE Select); coding-DNA position 2327, A replaced by C.
Protein change: p.Asn776Thr; replaces asparagine 776 with threonine.
Molecular consequence: missense variant.
Genome position (GRCh38, 1-based): chr9:85,020,360, A>C. VCF-style: chr9-85020360-A-C. GRCh37 (hg19) VCF-style: chr9-87635275-A-C.
Other names: c.2279A>C, p.Asn760Thr (NM_001018064.3, NM_001369532.1, NM_001369533.1); c.2243A>C, p.Asn748Thr (NM_001369534.1); c.1811A>C, p.Asn604Thr (NM_001369535.1); c.1859A>C, p.Asn620Thr (NM_001369536.1); c.2327A>C, p.Asn776Thr (NM_001381928.1); c.2327A>C (NM_006180.4); short protein forms N620T, N748T, N760T, N604T, N776T.
Identifiers: ClinVar variation 1903552 (VCV001903552.7), dbSNP rs148990783, ClinGen allele CA5105969.